The following is an entry in ClinVar:

ClinVar aggregate classification (germline): Benign (0 of 4 stars; one submission).

Conditions:
MUC16-related disorder. Also called: MUC16-related condition.

Allele frequency attached by ClinVar (database versions not stated): ESP Exome Variant Server 0.00536; 1000 Genomes Project 0.00579; 1000 Genomes Project 30x 0.00656.

Submission:

PreventionGenetics, part of Exact Sciences
Classification: Benign for MUC16-related condition. Last evaluated: 2019-10-28. Review status: no assertion criteria provided. Collection method: clinical testing. Allele origin: germline.
Comment: This variant is classified as benign based on ACMG/AMP sequence variant interpretation guidelines (Richards et al. 2015 PMID: 25741868, with internal and published modifications).

NM_001401501.2(MUC16):c.6789C>G (p.Ser2263Arg)

Gene: MUC16 (mucin 16, cell surface associated; minus strand). Cytogenetic location: 19p13.2.
Variant type: single nucleotide variant.
Coding change: c.6789C>G on transcript NM_001401501.2 (MANE Select); coding-DNA position 6789, C replaced by G.
Protein change: p.Ser2263Arg; replaces serine 2263 with arginine.
Molecular consequence: missense variant.
Genome position (GRCh38, 1-based): chr19:8,974,470, G>C on the plus strand (C>G on the coding strand, the complement: MUC16 is on the minus strand). VCF-style: chr19-8974470-G-C. GRCh37 (hg19) VCF-style: chr19-9085146-G-C.
Other names: c.7215C>G, p.Ser2405Arg (NM_001414686.1); c.6669C>G, p.Ser2223Arg (NM_001414687.1, NM_024690.2); short protein forms S2223R, S2263R, S2405R.
Identifiers: ClinVar variation 3033205 (VCV003033205.2), dbSNP rs73495780, ClinGen allele CA9172368.